The following is an entry in ClinVar:

NM_000238.4(KCNH2):c.2810G>A (p.Ser937Asn)

Gene: KCNH2 (potassium voltage-gated channel subfamily H member 2; minus strand). Cytogenetic location: 7q36.1.
Variant type: single nucleotide variant.
Coding change: c.2810G>A on transcript NM_000238.4 (MANE Select); coding-DNA position 2810, G replaced by A.
Protein change: p.Ser937Asn; replaces serine 937 with asparagine.
Molecular consequence: missense variant.
Genome position (GRCh38, 1-based): chr7:150,947,761, C>T on the plus strand (G>A on the coding strand, the complement: KCNH2 is on the minus strand). VCF-style: chr7-150947761-C-T. GRCh37 (hg19) VCF-style: chr7-150644849-C-T.
Other names: p.S937N:AGC>AAC; c.2810G>A (LRG_288t1); c.2522G>A, p.Ser841Asn (NM_001406753.1); c.1790G>A, p.Ser597Asn (NM_172057.3); short protein forms S597N, S937N, S841N.
Identifiers: ClinVar variation 67440 (VCV000067440.62), dbSNP rs199473540, ClinGen allele CA007468.

ClinVar aggregate classification (germline): Conflicting classifications of pathogenicity. Review status: criteria provided, conflicting classifications (1 of 4 stars). 10 submissions from 10 submitters: Uncertain significance (8); Likely benign (1). 1 of the submissions does not count toward it. Last evaluated 2025-12-11.

Conditions:
Cardiac arrhythmia. Also called: Cardiac rhythm disease; Arrhythmia. Identifiers: MedGen C0003811, MONDO:0007263, HP:0011675.
Cardiovascular phenotype. Identifiers: MedGen CN230736.
Familial long QT syndrome (RWS). Also called: Romano-Ward syndrome; VENTRICULAR FIBRILLATION WITH PROLONGED QT INTERVAL; Congenital long QT syndrome. Identifiers: Orphanet 768, MedGen C1141890, MONDO:0019171.
Short QT syndrome type 1. Identifiers: Orphanet 51083, MedGen C1865020, MONDO:0012312, OMIM 609620.
Long QT syndrome 2 (LQT2). Identifiers: Orphanet 101016, Orphanet 768, MedGen C3150943, MONDO:0013367, OMIM 613688.
Long QT syndrome (LQTS). Identifiers: MedGen C0023976, MeSH D008133, MONDO:0002442. Disease mechanism: loss of function. Inheritance: Various modes of inheritance.

Allele frequency attached by ClinVar (database versions not stated): TOPMed 0.00003; gnomAD 0.00004; ExAC below 0.00001; gnomAD exomes 0.00005.
gnomAD v4.1: 55 of 1,542,190 alleles (0.0036%); highest among the groups gnomAD compares: African/African-American, 0.0068%; no homozygotes.

Submissions (10):

Color Diagnostics, LLC DBA Color Health
Classification: Uncertain significance for Cardiac arrhythmia. Last evaluated: 2025-12-11. Review status: criteria provided, single submitter. Criteria: ACMG Guidelines, 2015. Collection method: clinical testing. Allele origin: germline.
Comment: This missense variant replaces serine with asparagine at codon 937 of the KCNH2 protein. Computational prediction is inconclusive regarding the impact of this variant on protein structure and function. To our knowledge, functional studies have not been reported for this variant. This variant has been reported in an individual referred for long QT syndrome genetic test (PMID: 19716085), as well as in an individual affected with long QT syndrome, who also carried a pathogenic variant in the SCN5A gene (PMID: 23631430). This variant has been identified in 55/1542190 chromosomes in the general population by the Genome Aggregation Database (gnomAD). The available evidence is insufficient to determine the role of this variant in disease conclusively. Therefore, this variant is classified as a Variant of Uncertain Significance.

Molecular Diagnostic Laboratory for Inherited Cardiovascular Disease, Montreal Heart Institute
Classification: Uncertain significance for Cardiovascular phenotype. Last evaluated: 2025-04-09. Review status: criteria provided, single submitter. Criteria: ACMG Guidelines, 2015. Collection method: clinical testing. Allele origin: germline. Affected: yes.
Comment: PS4_supp, PP2

Labcorp Genetics (formerly Invitae), Labcorp
Classification: Uncertain significance for Long QT syndrome. Last evaluated: 2025-01-28. Review status: criteria provided, single submitter. Criteria: Invitae Variant Classification Sherloc (09022015). Collection method: clinical testing. Allele origin: germline.
Comment: This sequence change replaces serine, which is neutral and polar, with asparagine, which is neutral and polar, at codon 937 of the KCNH2 protein (p.Ser937Asn). This variant is present in population databases (rs199473540, gnomAD 0.01%). This missense change has been observed in individual(s) with clinical features of long QT syndrome (PMID: 19716085, 23631430, 35352813; internal data). ClinVar contains an entry for this variant (Variation ID: 67440). An algorithm developed to predict the effect of missense changes on protein structure and function (PolyPhen-2) suggests that this variant is likely to be disruptive. In summary, the available evidence is currently insufficient to determine the role of this variant in disease. Therefore, it has been classified as a Variant of Uncertain Significance.

Blueprint Genetics
Classification: Uncertain significance. Last evaluated: 2024-10-14. Review status: criteria provided, single submitter. Criteria: ACMG Guidelines, 2015. Collection method: clinical testing. Allele origin: germline.

All of Us Research Program, National Institutes of Health
Classification: Uncertain significance for Long QT syndrome. Last evaluated: 2024-09-23. Review status: criteria provided, single submitter. Criteria: ACMG Guidelines, 2015. Collection method: clinical testing. Allele origin: germline. Inheritance: Autosomal dominant inheritance. Observed: 19 variant alleles, 19 heterozygotes.
Comment: This missense variant replaces serine with asparagine at codon 937 of the KCNH2 protein. Computational prediction is inconclusive regarding the impact of this variant on protein structure and function (internally defined REVEL score threshold 0.5 < inconclusive < 0.7, PMID: 27666373). To our knowledge, functional studies have not been reported for this variant. This variant has been reported in an individual referred for long QT syndrome genetic test (PMID: 19716085), as well as in an individual affected with long QT syndrome, who also carried a pathogenic variant in the SCN5A gene (PMID: 23631430). This variant has been identified in 8/170782 chromosomes in the general population by the Genome Aggregation Database (gnomAD). The available evidence is insufficient to determine the role of this variant in disease conclusively. Therefore, this variant is classified as a Variant of Uncertain Significance.

This study involves interpretation of variants in research participants for the purpose of population health screening. Participant phenotype was not available at the time of variant classification. Additional details can be found in publication PMID: 35346344, PMCID: PMC8962531

Ambry Genetics
Classification: Likely benign for Cardiovascular phenotype. Last evaluated: 2024-05-17. Review status: criteria provided, single submitter. Criteria: Ambry Variant Classification Scheme 2023. Collection method: clinical testing. Allele origin: germline.

GeneDx
Classification: Uncertain significance. Last evaluated: 2023-01-26. Review status: criteria provided, single submitter. Criteria: GeneDx Variant Classification Process June 2021. Collection method: clinical testing. Allele origin: germline. Affected: yes.
Comment: In silico analysis supports that this missense variant does not alter protein structure/function; This variant is associated with the following publications: (PMID: 22581653, 19716085, 23631430)

Department of Pathology and Laboratory Medicine, Sinai Health System
Classification: Uncertain significance for Short QT syndrome type 1; Long QT syndrome 2. Last evaluated: 2021-11-12. Review status: criteria provided, single submitter. Criteria: ACMG Guidelines, 2015. Collection method: research. Allele origin: germline.

Fulgent Genetics
Classification: Uncertain significance for Short QT syndrome type 1; Long QT syndrome 2. Last evaluated: 2021-10-11. Review status: criteria provided, single submitter. Criteria: ACMG Guidelines, 2015. Collection method: clinical testing. Allele origin: unknown.

Cardiovascular Biomedical Research Unit, Royal Brompton & Harefield NHS Foundation Trust
No classification provided. Condition: Familial long QT syndrome. Review status: no classification provided. Collection method: literature only. Allele origin: germline. Not counted in ClinVar's aggregate classification.
Comment: This variant has been reported as associated with Long QT syndrome in the following publications (PMID:19716085). This is a literature report, and does not necessarily reflect the clinical interpretation of the Imperial College / Royal Brompton Cardiovascular Genetics laboratory.

Literature cited by the submitters: PubMed 19716085 (cited by 5 submitters); PubMed 23631430 (cited by 4 submitters); PubMed 35352813 (cited by Labcorp Genetics (formerly Invitae), Labcorp); PubMed 20850565 (cited by Ambry Genetics); PubMed 22581653 (cited by Cardiovascular Biomedical Research Unit, Royal Brompton & Harefield NHS Foundation Trust).